The following is an entry in ClinVar:

ClinVar aggregate classification (germline): Uncertain significance. Review status: criteria provided, multiple submitters, no conflicts (2 of 4 stars). 2 submissions from 2 submitters: Uncertain significance (2). Last evaluated 2023-08-01.

Conditions:
Episodic ataxia type 2 (EA2). Also called: ATAXIA, EPISODIC, WITH NYSTAGMUS; ATAXIA, FAMILIAL PAROXYSMAL; CEREBELLAR ATAXIA, PAROXYSMAL, ACETAZOLAMIDE-RESPONSIVE; CEREBELLOPATHY, HEREDITARY PAROXYSMAL; ACETAZOLAMIDE-RESPONSIVE HEREDITARY PAROXYSMAL CEREBELLAR ATAXIA; EPISODIC ATAXIA, NYSTAGMUS-ASSOCIATED. Identifiers: Orphanet 97, MedGen C1720416, MONDO:0007163, OMIM 108500.
Developmental and epileptic encephalopathy, 42 (DEE42A). Also called: Epileptic encephalopathy, early infantile, 42; DEVELOPMENTAL AND EPILEPTIC ENCEPHALOPATHY 42A; EPILEPTIC ENCEPHALOPATHY, EARLY INFANTILE, 42A. Identifiers: MedGen C4310716, MONDO:0014917, OMIM 617106.

Submissions (2):

Athena Diagnostics
Classification: Uncertain significance. Last evaluated: 2023-08-01. Review status: criteria provided, single submitter. Criteria: Athena Diagnostics Criteria. Collection method: clinical testing. Allele origin: unknown.
Comment: Available data are insufficient to determine the clinical significance of the variant at this time. This variant has not been reported in large, multi-ethnic general populations. The variant is located in a region that is considered important for protein function and/or structure. Computational tools predict that this variant is damaging.

Labcorp Genetics (formerly Invitae), Labcorp
Classification: Uncertain significance for Developmental and epileptic encephalopathy, 42; Episodic ataxia type 2. Last evaluated: 2021-12-12. Review status: criteria provided, single submitter. Criteria: Invitae Variant Classification Sherloc (09022015). Collection method: clinical testing. Allele origin: germline.
Comment: This variant is not present in population databases (gnomAD no frequency). In summary, the available evidence is currently insufficient to determine the role of this variant in disease. Therefore, it has been classified as a Variant of Uncertain Significance. Advanced modeling of protein sequence and biophysical properties (such as structural, functional, and spatial information, amino acid conservation, physicochemical variation, residue mobility, and thermodynamic stability) performed at Invitae indicates that this missense variant is expected to disrupt CACNA1A protein function. This variant has not been reported in the literature in individuals affected with CACNA1A-related conditions. This sequence change replaces serine, which is neutral and polar, with phenylalanine, which is neutral and non-polar, at codon 1344 of the CACNA1A protein (p.Ser1344Phe).

NM_001127222.2(CACNA1A):c.4028C>T (p.Ser1343Phe)

Gene: CACNA1A (calcium voltage-gated channel subunit alpha1 A; minus strand). Cytogenetic location: 19p13.13.
Variant type: single nucleotide variant.
Coding change: c.4028C>T on transcript NM_001127222.2 (MANE Select); coding-DNA position 4028, C replaced by T.
Protein change: p.Ser1343Phe; replaces serine 1343 with phenylalanine.
Molecular consequence: missense variant.
Genome position (GRCh38, 1-based): chr19:13,262,795, G>A on the plus strand (C>T on the coding strand, the complement: CACNA1A is on the minus strand). VCF-style: chr19-13262795-G-A. GRCh37 (hg19) VCF-style: chr19-13373609-G-A.
Other names: c.4031C>T (NM_000068.2); c.4040C>T, p.Ser1347Phe (NM_000068.4, NM_023035.3); c.4031C>T, p.Ser1344Phe (NM_001127221.2, NM_001174080.2); short protein forms S1343F, S1344F, S1347F.
Identifiers: ClinVar variation 2041108 (VCV002041108.5), dbSNP rs2056767982, ClinGen allele CA404340025.
Genomic context (GRCh38, chr19:13,262,795, plus strand): 5'-TTGAGCTTTGGCAGCCGCTTGATGGTTTTAAGAGGTCGTAGCACCCGGAGGACTCGGAGG[G>A]ATTTAATCGTGTTGATGTCTTTTCCTTTGCTATTGCCACTGTGGAGGAATGTTTAGGTGG-3'
Protein context (NP_001120694.1, residues 1333-1353): SKGKDINTIK[Ser1343Phe]LRVLRVLRPL